The following is an entry in ClinVar:

NM_000038.6(APC):c.3563C>T (p.Pro1188Leu)

Gene: APC (APC regulator of Wnt signaling pathway; plus strand). Cytogenetic location: 5q22.2.
Variant type: single nucleotide variant.
Coding change: c.3563C>T on transcript NM_000038.6 (MANE Select); coding-DNA position 3563, C replaced by T.
Protein change: p.Pro1188Leu; replaces proline 1188 with leucine.
Molecular consequence: missense variant.
Genome position (GRCh38, 1-based): chr5:112,839,157, C>T. VCF-style: chr5-112839157-C-T. GRCh37 (hg19) VCF-style: chr5-112174854-C-T.
Other names: c.3563C>T, p.Pro1188Leu (NM_001127510.3, NM_001354895.2); c.3509C>T, p.Pro1170Leu (NM_001127511.3); c.3617C>T, p.Pro1206Leu (NM_001354896.2); c.3593C>T, p.Pro1198Leu (NM_001354897.2); c.3488C>T, p.Pro1163Leu (NM_001354898.2); c.3479C>T, p.Pro1160Leu (NM_001354899.2); c.3440C>T, p.Pro1147Leu (NM_001354900.2); c.3386C>T, p.Pro1129Leu (NM_001354901.2); and 5 more; short protein forms P1170L, P1188L, P1087L, P1129L, P1160L, P1198L, P1028L, P1062L.
Identifiers: ClinVar variation 187189 (VCV000187189.39), dbSNP rs786203540, ClinGen allele CA008522.

ClinVar aggregate classification (germline): Uncertain significance. Review status: criteria provided, multiple submitters, no conflicts (2 of 4 stars). 5 submissions from 5 submitters: Uncertain significance (5). Last evaluated 2025-12-29.

Conditions:
Classic or attenuated familial adenomatous polyposis. Identifiers: MedGen CN372698, MONDO:0021057.
Hereditary cancer-predisposing syndrome. Also called: Tumor predisposition; Neoplastic Syndromes, Hereditary; Hereditary Cancer Syndrome; Hereditary neoplastic syndrome. Identifiers: Orphanet 140162, MedGen C0027672, MeSH D009386, MONDO:0015356.
Familial adenomatous polyposis 1 (FAP1). Also called: POLYPOSIS, ADENOMATOUS INTESTINAL; FAMILIAL ADENOMATOUS POLYPOSIS 1, ATTENUATED. Identifiers: MedGen C2713442, MONDO:0021056, OMIM 175100. Disease mechanism: loss of function.

Allele frequency attached by ClinVar (database versions not stated): TOPMed below 0.00001.
gnomAD v4.1: 4 of 1,614,100 alleles (0.00025%); highest among the groups gnomAD compares: Non-Finnish European, 0.00034%; no homozygotes.

Submissions (5):

Labcorp Genetics (formerly Invitae), Labcorp
Classification: Uncertain significance for Familial adenomatous polyposis 1. Last evaluated: 2025-12-29. Review status: criteria provided, single submitter. Criteria: Invitae Variant Classification Sherloc (09022015). Collection method: clinical testing. Allele origin: germline.
Comment: This sequence change replaces proline, which is neutral and non-polar, with leucine, which is neutral and non-polar, at codon 1188 of the APC protein (p.Pro1188Leu). This variant is not present in population databases (gnomAD no frequency). This variant has not been reported in the literature in individuals affected with APC-related conditions. ClinVar contains an entry for this variant (Variation ID: 187189). Invitae Evidence Modeling of protein sequence and biophysical properties (such as structural, functional, and spatial information, amino acid conservation, physicochemical variation, residue mobility, and thermodynamic stability) indicates that this missense variant is not expected to disrupt APC protein function with a negative predictive value of 95%. In summary, the available evidence is currently insufficient to determine the role of this variant in disease. Therefore, it has been classified as a Variant of Uncertain Significance.

Color Diagnostics, LLC DBA Color Health
Classification: Uncertain significance for Hereditary cancer-predisposing syndrome. Last evaluated: 2024-11-04. Review status: criteria provided, single submitter. Criteria: ACMG Guidelines, 2015. Collection method: clinical testing. Allele origin: germline.
Comment: This missense variant replaces proline with leucine at codon 1188 of the APC protein. Computational prediction suggests that this variant may not impact protein structure and function (internally defined REVEL score threshold <= 0.5, PMID: 27666373). To our knowledge, functional studies have not been reported for this variant. This variant has not been reported in individuals affected with APC-related disorders in the literature. This variant has not been identified in the general population by the Genome Aggregation Database (gnomAD). The available evidence is insufficient to determine the role of this variant in disease conclusively. Therefore, this variant is classified as a Variant of Uncertain Significance.

Ambry Genetics
Classification: Uncertain significance for Hereditary cancer-predisposing syndrome. Last evaluated: 2024-08-19. Review status: criteria provided, single submitter. Criteria: Ambry Variant Classification Scheme 2023. Collection method: clinical testing. Allele origin: germline.
Comment: The p.P1188L variant (also known as c.3563C>T), located in coding exon 15 of the APC gene, results from a C to T substitution at nucleotide position 3563. The proline at codon 1188 is replaced by leucine, an amino acid with similar properties. This amino acid position is not well conserved in available vertebrate species. In addition, in silico predictors for this gene do not accurately predict pathogenicity. Since supporting evidence is limited at this time, the clinical significance of this alteration remains unclear.

CeGaT Center for Human Genetics Tuebingen
Classification: Uncertain significance. Last evaluated: 2024-05-01. Review status: criteria provided, single submitter. Criteria: CeGaT Center For Human Genetics Tuebingen Variant Classification Criteria Version 2. Collection method: clinical testing. Allele origin: germline. Affected: yes. Observed: 1 variant allele.
Comment: APC: PM2, BP1

All of Us Research Program, National Institutes of Health
Classification: Uncertain significance for Classic or attenuated familial adenomatous polyposis. Last evaluated: 2023-04-27. Review status: criteria provided, single submitter. Criteria: ACMG Guidelines, 2015. Collection method: clinical testing. Allele origin: germline. Inheritance: Autosomal dominant inheritance. Observed: 1 variant allele, 1 heterozygote.
Comment: This study involves interpretation of variants in research participants for the purpose of population health screening. Participant phenotype was not available at the time of variant classification. Additional details can be found in publication PMID: 35346344, PMCID: PMC8962531